The following is an entry in ClinVar:

ClinVar aggregate classification (germline): Uncertain significance (1 of 4 stars; one submission).

Conditions:
Fanconi anemia (FA). Also called: Fanconi's anemia. Identifiers: Orphanet 84, MedGen C0015625, MeSH D005199, MONDO:0019391.

Allele frequency attached by ClinVar (database versions not stated): gnomAD exomes below 0.00001; TOPMed below 0.00001.
gnomAD v4.1: 3 of 1,614,182 alleles (0.00019%); highest among the groups gnomAD compares: Non-Finnish European, 0.00025%; no homozygotes.

Submission:

Labcorp Genetics (formerly Invitae), Labcorp
Classification: Uncertain significance for Fanconi anemia. Last evaluated: 2021-09-01. Review status: criteria provided, single submitter. Criteria: Invitae Variant Classification Sherloc (09022015). Collection method: clinical testing. Allele origin: germline.
Comment: This sequence change replaces leucine with proline at codon 1303 of the FANCA protein (p.Leu1303Pro). The leucine residue is highly conserved and there is a moderate physicochemical difference between leucine and proline. This variant is not present in population databases (ExAC no frequency). This variant has not been reported in the literature in individuals affected with FANCA-related conditions. Algorithms developed to predict the effect of missense changes on protein structure and function are either unavailable or do not agree on the potential impact of this missense change (SIFT: "Tolerated"; PolyPhen-2: "Probably Damaging"; Align-GVGD: "Class C0"). In summary, the available evidence is currently insufficient to determine the role of this variant in disease. Therefore, it has been classified as a Variant of Uncertain Significance.

NM_000135.4(FANCA):c.3908T>C (p.Leu1303Pro)

Genes: FANCA (FA complementation group A; minus strand), ZNF276 (zinc finger protein 276; plus strand). Cytogenetic location: 16q24.3.
Variant type: single nucleotide variant.
Coding change: c.3908T>C on transcript NM_000135.4 (MANE Select); coding-DNA position 3908, T replaced by C.
Protein change: p.Leu1303Pro; replaces leucine 1303 with proline.
Molecular consequence: missense variant. On other transcripts: 3 prime UTR variant (2), non-coding transcript variant (4).
Genome position (GRCh38, 1-based): chr16:89,740,020, A>G on the plus strand (T>C on the coding strand, the complement: FANCA is on the minus strand). VCF-style: chr16-89740020-A-G. GRCh37 (hg19) VCF-style: chr16-89806428-A-G.
Other names: c.3908T>C, p.Leu1303Pro (NM_001286167.3); c.*1774A>G (NM_001113525.2, NM_152287.4); short protein forms L1303P.
Identifiers: ClinVar variation 666114 (VCV000666114.5), dbSNP rs1598055304, ClinGen allele CA397484947.